The following is an entry in ClinVar:

ClinVar aggregate classification (germline): Conflicting classifications of pathogenicity. Review status: criteria provided, conflicting classifications (1 of 4 stars). 5 submissions from 5 submitters: Uncertain significance (1); Benign (2); Likely benign (1). 1 of the submissions does not count toward it. Last evaluated 2026-01-27.

Conditions:
Inborn genetic diseases. Identifiers: MedGen C0950123, MeSH D030342.
COL9A3-related disorder. Also called: COL9A3-related condition.
Epiphyseal dysplasia, multiple, 3 (EDM3). Also called: COL9A3-Related Multiple Epiphyseal Dysplasia; Epiphyseal dysplasia, multiple, 3, with or without myopathy. Identifiers: MedGen C1832998, MONDO:0010964, OMIM 600969.
Intervertebral disc disorder (IDD). Also called: INTERVERTEBRAL DISC DISEASE; Lumbar disk degenerative disorder. Identifiers: MedGen C0158252, MONDO:0044339, OMIM 603932.

Allele frequency attached by ClinVar (database versions not stated): gnomAD exomes 0.00043 and 0.00089; 1000 Genomes Project 0.00080; 1000 Genomes Project 30x 0.00109; ExAC 0.00110.
gnomAD v4.1: 671 of 1,613,108 alleles (0.042%); highest among the groups gnomAD compares: South Asian, 0.69%; 11 homozygotes.

Submissions (5):

Labcorp Genetics (formerly Invitae), Labcorp
Classification: Benign. Last evaluated: 2026-01-27. Review status: criteria provided, single submitter. Criteria: Invitae Variant Classification Sherloc (09022015). Collection method: clinical testing. Allele origin: germline.

Ambry Genetics
Classification: Uncertain significance for Inborn genetic diseases. Last evaluated: 2024-12-07. Review status: criteria provided, single submitter. Criteria: Ambry Variant Classification Scheme 2023. Collection method: clinical testing. Allele origin: germline.

Fulgent Genetics
Classification: Likely benign for Epiphyseal dysplasia, multiple, 3; Intervertebral disc disorder. Last evaluated: 2021-07-30. Review status: criteria provided, single submitter. Criteria: ACMG Guidelines, 2015. Collection method: clinical testing. Allele origin: unknown.

GeneDx
Classification: Benign. Last evaluated: 2021-02-10. Review status: criteria provided, single submitter. Criteria: GeneDx Variant Classification Process June 2021. Collection method: clinical testing. Allele origin: germline. Affected: yes.

PreventionGenetics, part of Exact Sciences
Classification: Likely benign for COL9A3-related condition. Last evaluated: 2019-03-06. Review status: no assertion criteria provided. Collection method: clinical testing. Allele origin: germline. Not counted in ClinVar's aggregate classification.
Comment: This variant is classified as likely benign based on ACMG/AMP sequence variant interpretation guidelines (Richards et al. 2015 PMID: 25741868, with internal and published modifications).

NM_001853.4(COL9A3):c.1918G>A (p.Glu640Lys)

Gene: COL9A3 (collagen type IX alpha 3 chain; plus strand). Cytogenetic location: 20q13.33.
Variant type: single nucleotide variant.
Coding change: c.1918G>A on transcript NM_001853.4 (MANE Select); coding-DNA position 1918, G replaced by A.
Protein change: p.Glu640Lys; replaces glutamic acid 640 with lysine.
Molecular consequence: missense variant.
Genome position (GRCh38, 1-based): chr20:62,840,595, G>A. VCF-style: chr20-62840595-G-A. GRCh37 (hg19) VCF-style: chr20-61471947-G-A.
Other names: short protein forms E640K.
Identifiers: ClinVar variation 1221692 (VCV001221692.15), dbSNP rs553583384, ClinGen allele CA9950262.